The following is an entry in ClinVar:

NM_000426.4(LAMA2):c.3809A>G (p.Tyr1270Cys)

Gene: LAMA2 (laminin subunit alpha 2; plus strand). Cytogenetic location: 6q22.33.
Variant type: single nucleotide variant.
Coding change: c.3809A>G on transcript NM_000426.4 (MANE Select); coding-DNA position 3809, A replaced by G.
Protein change: p.Tyr1270Cys; replaces tyrosine 1270 with cysteine.
Molecular consequence: missense variant.
Genome position (GRCh38, 1-based): chr6:129,315,835, A>G. VCF-style: chr6-129315835-A-G. GRCh37 (hg19) VCF-style: chr6-129636980-A-G.
Other names: c.3809A>G, p.Tyr1270Cys (NM_001079823.2); short protein forms Y1270C.
Identifiers: ClinVar variation 1484222 (VCV001484222.5), dbSNP rs2114502245, ClinGen allele CA365613323.

ClinVar aggregate classification (germline): Uncertain significance (1 of 4 stars; one submission).

Conditions:
LAMA2-related muscular dystrophy (LAMA2-RD). Also called: Laminin alpha 2-related dystrophy. Identifiers: MedGen C5679788, MONDO:0100228.

Allele frequency attached by ClinVar (database versions not stated): gnomAD exomes below 0.00001.
gnomAD v4.1: 6 of 1,614,078 alleles (0.00037%); highest among the groups gnomAD compares: South Asian, 0.0011%; no homozygotes.

Submission:

Labcorp Genetics (formerly Invitae), Labcorp
Classification: Uncertain significance for LAMA2-related muscular dystrophy. Last evaluated: 2022-07-19. Review status: criteria provided, single submitter. Criteria: Invitae Variant Classification Sherloc (09022015). Collection method: clinical testing. Allele origin: germline.
Comment: This sequence change replaces tyrosine, which is neutral and polar, with cysteine, which is neutral and slightly polar, at codon 1270 of the LAMA2 protein (p.Tyr1270Cys). This variant is not present in population databases (gnomAD no frequency). This variant has not been reported in the literature in individuals affected with LAMA2-related conditions. ClinVar contains an entry for this variant (Variation ID: 1484222). Advanced modeling of protein sequence and biophysical properties (such as structural, functional, and spatial information, amino acid conservation, physicochemical variation, residue mobility, and thermodynamic stability) performed at Invitae indicates that this missense variant is not expected to disrupt LAMA2 protein function. In summary, the available evidence is currently insufficient to determine the role of this variant in disease. Therefore, it has been classified as a Variant of Uncertain Significance.